The following is an entry in ClinVar:

ClinVar aggregate classification (germline): Uncertain significance. Review status: criteria provided, multiple submitters, no conflicts (2 of 4 stars). 2 submissions from 2 submitters: Uncertain significance (2). Last evaluated 2025-10-29.

Conditions:
Myopathy, centronuclear, 2 (CNM2). Also called: MYOTUBULAR MYOPATHY, AUTOSOMAL RECESSIVE. Identifiers: Orphanet 169186, MedGen CN031787, MONDO:0009709, OMIM 255200.

Allele frequency attached by ClinVar (database versions not stated): gnomAD exomes 0.00002 and 0.00008; TOPMed 0.00005; 1000 Genomes Project 30x 0.00094; gnomAD 0.00007 and 0.00004; 1000 Genomes Project 0.00100; ExAC 0.00008.
gnomAD v4.1: 50 of 1,613,480 alleles (0.0031%); highest among the groups gnomAD compares: East Asian, 0.051%; no homozygotes.

Submissions (2):

Labcorp Genetics (formerly Invitae), Labcorp
Classification: Uncertain significance for Myopathy, centronuclear, 2. Last evaluated: 2025-10-29. Review status: criteria provided, single submitter. Criteria: Invitae Variant Classification Sherloc (09022015). Collection method: clinical testing. Allele origin: germline.
Comment: This sequence change affects codon 487 of the BIN1 mRNA. It is a 'silent' change, meaning that it does not change the encoded amino acid sequence of the BIN1 protein. It affects a nucleotide within the consensus splice site. This variant is present in population databases (rs34647988, gnomAD 0.06%). This variant has not been reported in the literature in individuals affected with BIN1-related conditions. ClinVar contains an entry for this variant (Variation ID: 158009). Algorithms developed to predict the effect of sequence changes on RNA splicing suggest that this variant is not likely to affect RNA splicing. In summary, the available evidence is currently insufficient to determine the role of this variant in disease. Therefore, it has been classified as a Variant of Uncertain Significance.

Genetic Services Laboratory, University of Chicago
Classification: Uncertain significance for Myopathy, centronuclear, autosomal recessive. Last evaluated: 2013-03-04. Review status: criteria provided, single submitter. Criteria: ACMG Guidelines, 2007. Collection method: clinical testing. Allele origin: germline. Inheritance: Autosomal recessive inheritance.

NM_139343.3(BIN1):c.1461C>T (p.Ser487=)

Gene: BIN1 (bridging integrator 1; minus strand). Cytogenetic location: 2q14.3.
Variant type: single nucleotide variant.
Coding change: c.1461C>T on transcript NM_139343.3 (MANE Select); coding-DNA position 1461, C replaced by T.
Protein change: p.Ser487=; no amino-acid change (serine 487 retained).
Molecular consequence: synonymous variant. On other transcripts: intron variant (3).
Genome position (GRCh38, 1-based): chr2:127,051,154, G>A on the plus strand (C>T on the coding strand, the complement: BIN1 is on the minus strand). VCF-style: chr2-127051154-G-A. GRCh37 (hg19) VCF-style: chr2-127808730-G-A.
Other names: c.1092C>T, p.Ser364= (NM_001320633.2); c.1221C>T, p.Ser407= (NM_001320640.2); c.1368C>T, p.Ser456= (NM_001320641.2); c.1380C>T, p.Ser460= (NM_001320642.1); c.1044C>T, p.Ser348= (NM_004305.4); c.1332C>T, p.Ser444= (NM_139344.3); c.1200C>T, p.Ser400= (NM_139345.3); c.1173C>T, p.Ser391= (NM_139346.3); and 7 more.
Identifiers: ClinVar variation 158009 (VCV000158009.15), dbSNP rs34647988, ClinGen allele CA171389.